The following is an entry in ClinVar:

NM_014849.5(SV2A):c.1518C>T (p.His506=)

Gene: SV2A (synaptic vesicle glycoprotein 2A; minus strand). Cytogenetic location: 1q21.2.
Variant type: single nucleotide variant.
Coding change: c.1518C>T on transcript NM_014849.5 (MANE Select); coding-DNA position 1518, C replaced by T.
Protein change: p.His506=; no amino-acid change (histidine 506 retained).
Molecular consequence: synonymous variant.
Genome position (GRCh38, 1-based): chr1:149,908,068, G>A on the plus strand (C>T on the coding strand, the complement: SV2A is on the minus strand). VCF-style: chr1-149908068-G-A. GRCh37 (hg19) VCF-style: chr1-149879620-G-A.
Other names: c.1518C>T, p.His506= (NM_001328674.2, NM_001328675.2).
Identifiers: ClinVar variation 5040811 (VCV005040811.1).

ClinVar aggregate classification (germline): Likely benign (1 of 4 stars; one submission).

gnomAD v4.1: 718 of 1,614,008 alleles (0.044%); highest among the groups gnomAD compares: Non-Finnish European, 0.059%; no homozygotes.

Submission:

CeGaT Center for Human Genetics Tuebingen
Classification: Likely benign. Last evaluated: 2026-09-01. Review status: criteria provided, single submitter. Criteria: CeGaT Center For Human Genetics Tuebingen Variant Classification Criteria Version 2. Collection method: clinical testing. Allele origin: germline. Affected: yes. Observed: 1 variant allele.
Comment: SV2A: BP4, BP7